The following is an entry in ClinVar:

ClinVar aggregate classification (germline): Uncertain significance. Review status: criteria provided, multiple submitters, no conflicts (2 of 4 stars). 4 submissions from 4 submitters: Uncertain significance (4). Last evaluated 2024-03-11.

Allele frequency attached by ClinVar (database versions not stated): ExAC 0.00008; ESP Exome Variant Server 0.00008.

Submissions (4):

Blueprint Genetics
Classification: Uncertain significance. Last evaluated: 2024-03-11. Review status: criteria provided, single submitter. Criteria: ACMG Guidelines, 2015. Collection method: clinical testing. Allele origin: germline.

GeneDx
Classification: Uncertain significance. Last evaluated: 2023-06-21. Review status: criteria provided, single submitter. Criteria: GeneDx Variant Classification Process June 2021. Collection method: clinical testing. Allele origin: germline. Affected: yes.
Comment: In silico analysis supports that this missense variant does not alter protein structure/function; Has not been previously published as pathogenic or benign to our knowledge

Labcorp Genetics (formerly Invitae), Labcorp
Classification: Uncertain significance. Last evaluated: 2022-09-06. Review status: criteria provided, single submitter. Criteria: Invitae Variant Classification Sherloc (09022015). Collection method: clinical testing. Allele origin: germline.
Comment: This sequence change replaces arginine, which is basic and polar, with glutamine, which is neutral and polar, at codon 126 of the TRAF3IP1 protein (p.Arg126Gln). This variant is present in population databases (rs199981238, gnomAD 0.02%). This variant has not been reported in the literature in individuals affected with TRAF3IP1-related conditions. ClinVar contains an entry for this variant (Variation ID: 1365869). Algorithms developed to predict the effect of missense changes on protein structure and function (SIFT, PolyPhen-2, Align-GVGD) all suggest that this variant is likely to be tolerated. In summary, the available evidence is currently insufficient to determine the role of this variant in disease. Therefore, it has been classified as a Variant of Uncertain Significance.

Breakthrough Genomics
Classification: Uncertain significance. Review status: criteria provided, single submitter. Criteria: ACMG Guidelines, 2015. Collection method: not provided. Allele origin: germline. Inheritance: Autosomal recessive inheritance. Affected: yes.

NM_015650.4(IFT54):c.377G>A (p.Arg126Gln)

Gene: IFT54 (intraflagellar transport 54; plus strand). Cytogenetic location: 2q37.3.
Variant type: single nucleotide variant.
Coding change: c.377G>A on transcript NM_015650.4 (MANE Select); coding-DNA position 377, G replaced by A.
Protein change: p.Arg126Gln; replaces arginine 126 with glutamine.
Molecular consequence: missense variant.
Genome position (GRCh38, 1-based): chr2:238,328,708, G>A. VCF-style: chr2-238328708-G-A. GRCh37 (hg19) VCF-style: chr2-239237349-G-A.
Other names: c.377G>A, p.Arg126Gln (NM_001139490.1); c.377G>A (NM_015650.3); short protein forms R126Q.
Identifiers: ClinVar variation 1365869 (VCV001365869.8), dbSNP rs199981238, ClinGen allele CA2198047.